The following is an entry in ClinVar:

NM_001267550.2(TTN):c.11312-4086_11312-4085delinsGA

Gene: TTN (titin; minus strand). Cytogenetic location: 2q31.2.
Variant type: Indel.
Coding change: c.11312-4086_11312-4085delinsGA on transcript NM_001267550.2 (MANE Select); 4086 bases into the intron before coding-DNA position 11312 through 4085 bases into the intron before coding-DNA position 11312, CG replaced by GA.
Molecular consequence: intron variant. On other transcripts: missense variant (2).
Genome position (GRCh38, 1-based): chr2:178,746,006-178,746,007, CG replaced by TC on the plus strand (CG replaced by GA on the coding strand, the reverse complement: TTN is on the minus strand). VCF-style: chr2-178746006-CG-TC. GRCh37 (hg19) VCF-style: chr2-179610733-CG-TC.
Other names: c.16393_16394delCGinsGA, p.Arg5465Glu (NM_133379.4); c.16393_16394delinsGA, p.Arg5465Glu (NM_133379.5); c.10223-4086_10223-4085delinsGA (NM_003319.4); c.10799-4086_10799-4085delinsGA (NM_133437.4); c.10598-4086_10598-4085delinsGA (NM_133432.3); c.10360+7117_10360+7118delinsGA (NM_133378.4); c.10361-4086_10361-4085delinsGA (NM_001256850.1); short protein forms R5465E.
Identifiers: ClinVar variation 3346328 (VCV003346328.1).
Genomic context (GRCh38, chr2:178,746,006, plus strand): 5'-ACTTTGCTTTTCTTTGCTATCACAGCAAATATTTCAGAATCTCCCATGGTGAGGAATCCC[CG>TC]ACAGATAGCCTCTCCTACACAATTCACAGCTCTGCACCTGTATGTTGCACTATCAGAAAG-3'

ClinVar aggregate classification (germline): Likely benign (0 of 4 stars; one submission).

Conditions:
TTN-related disorder. Also called: TTN-related disorders; TTN-related condition; TTN-related disease.

Submission:

PreventionGenetics, part of Exact Sciences
Classification: Likely benign for TTN-related condition. Last evaluated: 2024-09-05. Review status: no assertion criteria provided. Collection method: clinical testing. Allele origin: germline.
Comment: This variant is classified as likely benign based on ACMG/AMP sequence variant interpretation guidelines (Richards et al. 2015 PMID: 25741868, with internal and published modifications).